The following is an entry in ClinVar:

ClinVar aggregate classification (germline): Uncertain significance (1 of 4 stars; one submission).

Conditions:
SHANK3-related disorder. Also called: SHANK3-related condition.

Submission:

PreventionGenetics, part of Exact Sciences
Classification: Uncertain significance for SHANK3-related condition. Last evaluated: 2026-02-27. Review status: criteria provided, single submitter. Criteria: ACMG Guidelines, 2015. Collection method: clinical testing. Allele origin: germline.
Comment: The SHANK3 c.2905C>G variant is predicted to result in the amino acid substitution p.Leu969Val. To our knowledge, this variant has not been reported in the literature or in a large population database (gnomAD), indicating this variant is rare. At this time, the clinical significance of this variant is uncertain due to the absence of conclusive functional and genetic evidence.

NM_001372044.2(SHANK3):c.3130C>G (p.Leu1044Val)

Gene: SHANK3 (SH3 and multiple ankyrin repeat domains 3; plus strand). Cytogenetic location: 22q13.33.
Variant type: single nucleotide variant.
Coding change: c.3130C>G on transcript NM_001372044.2 (MANE Select); coding-DNA position 3130, C replaced by G.
Protein change: p.Leu1044Val; replaces leucine 1044 with valine.
Molecular consequence: missense variant.
Genome position (GRCh38, 1-based): chr22:50,720,738, C>G. VCF-style: chr22-50720738-C-G. GRCh37 (hg19) VCF-style: chr22-51159166-C-G.
Other names: c.2905C>G, p.Leu969Val (NM_033517.1); short protein forms L1044V, L969V.
Identifiers: ClinVar variation 3061157 (VCV003061157.3), dbSNP rs1340427392, ClinGen allele CA515260149.
Genomic context (GRCh38, chr22:50,720,738, plus strand): 5'-CGCCGCAAGAGCCCCCTGGTGAAGCAGCTGCAGGTGGAGGACGCGCAGGAGCGCGCGGCC[C>G]TGGCCGTGGGCAGCCCCGGTCCCGGCGGCGGCAGCTTCGCCCGCGAGCCCTCCCCGACCC-3'
Protein context (NP_001358973.1, residues 1034-1054): QVEDAQERAA[Leu1044Val]AVGSPGPGGG